The following is an entry in ClinVar:

NM_001112741.2(KCNC1):c.1724A>T (p.Lys575Met)

Gene: KCNC1 (potassium voltage-gated channel subfamily C member 1; plus strand). Cytogenetic location: 11p15.1.
Variant type: single nucleotide variant.
Coding change: c.1724A>T on transcript NM_001112741.2 (MANE Select); coding-DNA position 1724, A replaced by T.
Protein change: p.Lys575Met; replaces lysine 575 with methionine.
Molecular consequence: missense variant.
Genome position (GRCh38, 1-based): chr11:17,781,700, A>T. VCF-style: chr11-17781700-A-T. GRCh37 (hg19) VCF-style: chr11-17803247-A-T.
Other names: short protein forms K575M.
Identifiers: ClinVar variation 4885659 (VCV004885659.2).

ClinVar aggregate classification (germline): Uncertain significance (1 of 4 stars; one submission).

Submission:

Dasa
Classification: Uncertain significance. Last evaluated: 2025-09-25. Review status: criteria provided, single submitter. Criteria: DASA Assertion Criteria. Collection method: clinical testing. Allele origin: germline.
Comment: NM_001112741.2(KCNC1):c.1724A>T (p.Lys575Met) is a missense variant that results in the substitution of lysine with methionine. This variant is absent from population databases. Computational prediction algorithms are consistent with a deleterious effect. The currently available literature and clinical evidence are not sufficient to establish a definitive association between this variant and the reported condition. Therefore, this variant is classified as a variant of uncertain significance.